The following is an entry in ClinVar:

ClinVar aggregate classification (germline): Likely benign (1 of 4 stars; one submission).

Conditions:
Medulloblastoma (MDB). Also called: Medulloblastoma, somatic; MEDULLOBLASTOMA PREDISPOSITION SYNDROME. Identifiers: Orphanet 616, MedGen C0025149, MeSH D008527, MONDO:0007959, OMIM 155255, HP:0002885.

Allele frequency attached by ClinVar (database versions not stated): gnomAD exomes 0.00087; 1000 Genomes Project 0.00339; 1000 Genomes Project 30x 0.00344; gnomAD 0.00438 and 0.00474; TOPMed 0.00505.
gnomAD v4.1: 735 of 233,310 alleles (0.32%); highest among the groups gnomAD compares: African/African-American, 1.5%; 7 homozygotes.

Submission:

Illumina Laboratory Services, Illumina
Classification: Likely benign for Medulloblastoma. Last evaluated: 2018-01-13. Review status: criteria provided, single submitter. Criteria: ICSL Variant Classification Criteria 13 December 2019. Collection method: clinical testing. Allele origin: germline.
Comment: This variant was observed in the ICSL laboratory as part of a predisposition screen in an ostensibly healthy population. It had not been previously curated by ICSL or reported in the Human Gene Mutation Database (HGMD: prior to June 1st, 2018), and was therefore a candidate for classification through an automated scoring system. Utilizing variant allele frequency, disease prevalence and penetrance estimates, and inheritance mode, an automated score was calculated to assess if this variant is too frequent to cause the disease. Based on the score and internal cut-off values, a variant classified as likely benign is not then subjected to further curation. The score for this variant resulted in a classification of likely benign for this disease.

NM_016169.4(SUFU):c.*2157C>T

Gene: SUFU (SUFU negative regulator of hedgehog signaling; plus strand). Cytogenetic location: 10q24.32.
Variant type: single nucleotide variant.
Coding change: c.*2157C>T on transcript NM_016169.4 (MANE Select); 2157 bases downstream of the stop codon, C replaced by T.
Molecular consequence: 3 prime UTR variant.
Genome position (GRCh38, 1-based): chr10:102,632,312, C>T. VCF-style: chr10-102632312-C-T. GRCh37 (hg19) VCF-style: chr10-104392069-C-T.
Identifiers: ClinVar variation 298599 (VCV000298599.5), dbSNP rs181690906, ClinGen allele CA10634407.